The following is an entry in ClinVar:

ClinVar aggregate classification (germline): Benign/Likely benign. Review status: criteria provided, multiple submitters, no conflicts (2 of 4 stars). 4 submissions from 4 submitters: Benign (1); Likely benign (2). 1 of the submissions does not count toward it. Last evaluated 2025-12-30.

Conditions:
FKBP10-related disorder. Also called: FKBP10-related condition.
Osteogenesis imperfecta type 11. Also called: OI, TYPE XI; Osteogenesis imperfecta, type XI. Identifiers: Orphanet 666, MedGen C3151218, MONDO:0012592, OMIM 610968.

Allele frequency attached by ClinVar (database versions not stated): gnomAD exomes 0.00005; ExAC 0.00008; TOPMed 0.00020; ESP Exome Variant Server 0.00023; gnomAD 0.00029 and 0.00031.
gnomAD v4.1: 84 of 1,612,792 alleles (0.0052%); highest among the groups gnomAD compares: African/African-American, 0.11%; no homozygotes.

Submissions (4):

Labcorp Genetics (formerly Invitae), Labcorp
Classification: Likely benign. Last evaluated: 2025-12-30. Review status: criteria provided, single submitter. Criteria: Invitae Variant Classification Sherloc (09022015). Collection method: clinical testing. Allele origin: germline.

Blueprint Genetics
Classification: Likely benign. Last evaluated: 2023-12-14. Review status: criteria provided, single submitter. Criteria: ACMG Guidelines, 2015. Collection method: clinical testing. Allele origin: germline.

Medical Molecular Genetics Department, National Research Center
Classification: Benign for Osteogenesis imperfecta, type XI. Review status: criteria provided, single submitter. Criteria: ACMG Guidelines, 2015. Collection method: clinical testing. Allele origin: unknown. Inheritance: Autosomal recessive inheritance. Observed: 1 variant allele.

PreventionGenetics, part of Exact Sciences
Classification: Likely benign for FKBP10-related condition. Last evaluated: 2019-03-14. Review status: no assertion criteria provided. Collection method: clinical testing. Allele origin: germline. Not counted in ClinVar's aggregate classification.
Comment: This variant is classified as likely benign based on ACMG/AMP sequence variant interpretation guidelines (Richards et al. 2015 PMID: 25741868, with internal and published modifications).

NM_021939.4(FKBP10):c.1014C>T (p.Arg338=)

Gene: FKBP10 (FKBP prolyl isomerase 10; plus strand). Cytogenetic location: 17q21.2.
Variant type: single nucleotide variant.
Coding change: c.1014C>T on transcript NM_021939.4 (MANE Select); coding-DNA position 1014, C replaced by T.
Protein change: p.Arg338=; no amino-acid change (arginine 338 retained).
Molecular consequence: synonymous variant.
Genome position (GRCh38, 1-based): chr17:41,819,626, C>T. VCF-style: chr17-41819626-C-T. GRCh37 (hg19) VCF-style: chr17-39975878-C-T.
Identifiers: ClinVar variation 684402 (VCV000684402.12), dbSNP rs143903650, ClinGen allele CA8566457.